The following is an entry in ClinVar:

ClinVar aggregate classification (germline): Uncertain significance (1 of 4 stars; one submission).

Conditions:
Intellectual disability, autosomal dominant 14 (CSS2). Also called: COFFIN-SIRIS SYNDROME 2. Identifiers: Orphanet 1465, MedGen C3553247, MONDO:0013819, OMIM 614607.

Allele frequency attached by ClinVar (database versions not stated): gnomAD exomes below 0.00001 and 0.00001; ExAC 0.00001; gnomAD 0.00001; TOPMed 0.00001.
gnomAD v4.1: 20 of 1,614,120 alleles (0.0012%); highest among the groups gnomAD compares: African/African-American, 0.0027%; no homozygotes.

Submission:

Baylor Genetics
Classification: Uncertain significance for Intellectual disability, autosomal dominant 14. Last evaluated: 2020-10-19. Review status: criteria provided, single submitter. Criteria: ACMG Guidelines, 2015. Collection method: clinical testing. Allele origin: unknown. Affected: yes.
Comment: This variant was determined to be of uncertain significance according to ACMG Guidelines, 2015 [PMID:25741868].

NM_006015.6(ARID1A):c.3539+5G>A

Genes: ARID1A (AT-rich interaction domain 1A; plus strand), LOC126805670 (CDK7 strongly-dependent group 2 enhancer GRCh37_chr1:27098665-27099864; plus strand). Cytogenetic location: 1p36.11.
Variant type: single nucleotide variant.
Coding change: c.3539+5G>A on transcript NM_006015.6 (MANE Select); 5 bases into the intron after coding-DNA position 3539, G replaced by A.
Molecular consequence: intron variant.
Genome position (GRCh38, 1-based): chr1:26,772,637, G>A. VCF-style: chr1-26772637-G-A. GRCh37 (hg19) VCF-style: chr1-27099128-G-A.
Other names: c.3539+5G>A (NM_139135.4).
Identifiers: ClinVar variation 1028995 (VCV001028995.1), dbSNP rs750030197, ClinGen allele CA707231.